The following is an entry in ClinVar:

NM_001379451.1(BCORL1):c.4671C>A (p.Asn1557Lys)

Gene: BCORL1 (BCL6 corepressor like 1; plus strand). Cytogenetic location: Xq26.1.
Variant type: single nucleotide variant.
Coding change: c.4671C>A on transcript NM_001379451.1 (MANE Select); coding-DNA position 4671, C replaced by A.
Protein change: p.Asn1557Lys; replaces asparagine 1557 with lysine.
Molecular consequence: missense variant.
Genome position (GRCh38, 1-based): chrX:130,037,510, C>A. VCF-style: chrX-130037510-C-A. GRCh37 (hg19) VCF-style: chrX-129171485-C-A.
Other names: c.4671C>A, p.Asn1557Lys (NM_001184772.3, NM_001379450.1); c.4449C>A, p.Asn1483Lys (NM_021946.5); short protein forms N1483K, N1557K.
Identifiers: ClinVar variation 3376114 (VCV003376114.1).

ClinVar aggregate classification (germline): Uncertain significance (1 of 4 stars; one submission).

Submission:

GeneDx
Classification: Uncertain significance. Last evaluated: 2024-05-06. Review status: criteria provided, single submitter. Criteria: GeneDx Variant Classification Process June 2021. Collection method: clinical testing. Allele origin: germline. Affected: yes.
Comment: In silico analysis supports that this missense variant has a deleterious effect on protein structure/function; Not observed at significant frequency in large population cohorts (gnomAD); Has not been previously published as pathogenic or benign to our knowledge